The following is an entry in ClinVar:

NM_145725.3(TRAF3):c.380A>G (p.Gln127Arg)

Gene: TRAF3 (TNF receptor associated factor 3; plus strand). Cytogenetic location: 14q32.32.
Variant type: single nucleotide variant.
Coding change: c.380A>G on transcript NM_145725.3 (MANE Select); coding-DNA position 380, A replaced by G.
Protein change: p.Gln127Arg; replaces glutamine 127 with arginine.
Molecular consequence: missense variant.
Genome position (GRCh38, 1-based): chr14:102,875,706, A>G. VCF-style: chr14-102875706-A-G. GRCh37 (hg19) VCF-style: chr14-103342043-A-G.
Other names: c.380A>G, p.Gln127Arg (NM_001199427.2, NM_001385142.1, NM_001385143.1 and 2 more transcripts); short protein forms Q127R.
Identifiers: ClinVar variation 5000267 (VCV005000267.1).

ClinVar aggregate classification (germline): Uncertain significance (1 of 4 stars; one submission).

Conditions:
TRAF3-related disorder. Also called: TRAF3 related condition.

gnomAD v4.1: 1 of 1,614,092 alleles (0.000062%); highest among the groups gnomAD compares: African/African-American, 0.0013%; no homozygotes.

Submission:

PreventionGenetics, part of Exact Sciences
Classification: Uncertain significance for TRAF3-related condition. Last evaluated: 2025-03-14. Review status: criteria provided, single submitter. Criteria: ACMG Guidelines, 2015. Collection method: clinical testing. Allele origin: germline.
Comment: The TRAF3 c.380A>G variant is predicted to result in the amino acid substitution p.Gln127Arg. To our knowledge, this variant has not been reported in the literature or in a large population database (gnomAD), indicating this variant is rare. At this time, the clinical significance of this variant is uncertain due to the absence of conclusive functional and genetic evidence.